The following is an entry in ClinVar:

ClinVar aggregate classification (germline): Uncertain significance (1 of 4 stars; one submission).

Conditions:
PKD1-related disorder. Also called: PKD1-related condition.

Submission:

PreventionGenetics, part of Exact Sciences
Classification: Uncertain significance for PKD1-related condition. Last evaluated: 2026-09-09. Review status: criteria provided, single submitter. Criteria: ACMG Guidelines, 2015. Collection method: clinical testing. Allele origin: germline.
Comment: The PKD1 c.5036G>C variant is predicted to result in the amino acid substitution p.Ser1679Thr. To our knowledge, this variant has not been reported in the literature or in a large population database (gnomAD), indicating this variant is rare. At this time, the clinical significance of this variant is uncertain due to the absence of conclusive functional and genetic evidence.

NM_001009944.3(PKD1):c.5036G>C (p.Ser1679Thr)

Gene: PKD1 (polycystin 1, transient receptor potential channel interacting; minus strand). Cytogenetic location: 16p13.3.
Variant type: single nucleotide variant.
Coding change: c.5036G>C on transcript NM_001009944.3 (MANE Select); coding-DNA position 5036, G replaced by C.
Protein change: p.Ser1679Thr; replaces serine 1679 with threonine.
Molecular consequence: missense variant.
Genome position (GRCh38, 1-based): chr16:2,110,131, C>G on the plus strand (G>C on the coding strand, the complement: PKD1 is on the minus strand). VCF-style: chr16-2110131-C-G. GRCh37 (hg19) VCF-style: chr16-2160132-C-G.
Other names: c.5036G>C, p.Ser1679Thr (NM_000296.4); short protein forms S1679T.
Identifiers: ClinVar variation 4992327 (VCV004992327.1).